The following is an entry in ClinVar:

NM_000834.5(GRIN2B):c.3493G>A (p.Asp1165Asn)

Gene: GRIN2B (glutamate ionotropic receptor NMDA type subunit 2B; minus strand). Cytogenetic location: 12p13.1.
Variant type: single nucleotide variant.
Coding change: c.3493G>A on transcript NM_000834.5 (MANE Select); coding-DNA position 3493, G replaced by A.
Protein change: p.Asp1165Asn; replaces aspartic acid 1165 with asparagine.
Molecular consequence: missense variant.
Genome position (GRCh38, 1-based): chr12:13,563,745, C>T on the plus strand (G>A on the coding strand, the complement: GRIN2B is on the minus strand). VCF-style: chr12-13563745-C-T. GRCh37 (hg19) VCF-style: chr12-13716679-C-T.
Other names: short protein forms D1165N.
Identifiers: ClinVar variation 478000 (VCV000478000.15), dbSNP rs769857006, ClinGen allele CA6460890.
Genomic context (GRCh38, chr12:13,563,745, plus strand): 5'-CGCCCGTCCCGTGCTTGATGTGAGACCTGTTGGTACAGGGCCCTCCTCCGCTGACGGAGT[C>T]GCGCTTAAAGTCATCACTCCGCTCCTTGTAGATGTCGGTCAGGTCTACGTGCTCCCAGTG-3'
Protein context (NP_000825.2, residues 1155-1175): YKERSDDFKR[Asp1165Asn]SVSGGGPCTN

ClinVar aggregate classification (germline): Conflicting classifications of pathogenicity. Review status: criteria provided, conflicting classifications (1 of 4 stars). 5 submissions from 5 submitters: Uncertain significance (1); Likely benign (3). 1 of the submissions does not count toward it. Last evaluated 2026-08-01.

Conditions:
Inborn genetic diseases. Identifiers: MedGen C0950123, MeSH D030342.
GRIN2B-related disorder. Also called: GRIN2B-related condition.
Developmental and epileptic encephalopathy, 27 (DEE27). Also called: GRIN2B-Related Neurodevelopmental Disorder; Epileptic encephalopathy, early infantile, 27. Identifiers: Orphanet 3451, MedGen C4015316, MONDO:0014505, OMIM 616139.
Intellectual developmental disorder, autosomal dominant 6, with or without seizures. Also called: GRIN2B-related developmental delay, intellectual disability and autism spectrum disorder; Intellectual disability, autosomal dominant 6. Identifiers: Orphanet 589547, MedGen C3151411, MONDO:0013509, OMIM 613970.

Allele frequency attached by ClinVar (database versions not stated): gnomAD 0.00008 and 0.00007; gnomAD exomes 0.00002 and 0.00009; ExAC 0.00002; TOPMed 0.00006.
gnomAD v4.1: 39 of 1,613,810 alleles (0.0024%); highest among the groups gnomAD compares: Admixed American, 0.055%; no homozygotes.

Submissions (5):

CeGaT Center for Human Genetics Tuebingen
Classification: Likely benign. Last evaluated: 2026-08-01. Review status: criteria provided, single submitter. Criteria: CeGaT Center For Human Genetics Tuebingen Variant Classification Criteria Version 2. Collection method: clinical testing. Allele origin: germline. Affected: yes. Observed: 1 variant allele.
Comment: GRIN2B: BS1

Labcorp Genetics (formerly Invitae), Labcorp
Classification: Likely benign for Developmental and epileptic encephalopathy, 27; Intellectual developmental disorder, autosomal dominant 6, with or without seizures. Last evaluated: 2026-02-02. Review status: criteria provided, single submitter. Criteria: Invitae Variant Classification Sherloc (09022015). Collection method: clinical testing. Allele origin: germline.

Women's Health and Genetics/Laboratory Corporation of America, LabCorp
Classification: Uncertain significance. Last evaluated: 2024-05-30. Review status: criteria provided, single submitter. Criteria: LabCorp Variant Classification Summary - May 2015. Collection method: clinical testing. Allele origin: germline.
Comment: Variant summary: GRIN2B c.3493G>A (p.Asp1165Asn) results in a conservative amino acid change located in the Glutamate [NMDA] receptor, epsilon subunit, C-terminal domain (IPR018884) of the encoded protein sequence. Four of five in-silico tools predict a benign effect of the variant on protein function. The variant allele was found at a frequency of 8.8e-05 in 250716 control chromosomes. This frequency is not significantly higher than estimated for a pathogenic variant in GRIN2B causing Mental Retardation, Autosomal Dominant 6, allowing no conclusion about variant significance. To our knowledge, no occurrence of c.3493G>A in individuals affected with GRIN2B-related conditions and no experimental evidence demonstrating its impact on protein function have been reported. ClinVar contains an entry for this variant (Variation ID: 478000). Based on the evidence outlined above, the variant was classified as uncertain significance.

Ambry Genetics
Classification: Likely benign for Inborn genetic diseases. Last evaluated: 2019-03-28. Review status: criteria provided, single submitter. Criteria: Ambry Variant Classification Scheme 2023. Collection method: clinical testing. Allele origin: germline.

PreventionGenetics, part of Exact Sciences
Classification: Likely benign for GRIN2B-related condition. Last evaluated: 2023-05-03. Review status: no assertion criteria provided. Collection method: clinical testing. Allele origin: germline. Not counted in ClinVar's aggregate classification.
Comment: This variant is classified as likely benign based on ACMG/AMP sequence variant interpretation guidelines (Richards et al. 2015 PMID: 25741868, with internal and published modifications).